The following is an entry in ClinVar:

ClinVar aggregate classification (germline): Uncertain significance (1 of 4 stars; one submission).

gnomAD v4.1: 3 of 1,613,720 alleles (0.00019%); highest among the groups gnomAD compares: Non-Finnish European, 0.00025%; no homozygotes.

Submission:

GeneDx
Classification: Uncertain significance. Last evaluated: 2024-08-26. Review status: criteria provided, single submitter. Criteria: GeneDx Variant Classification Process June 2021. Collection method: clinical testing. Allele origin: germline. Affected: yes.
Comment: Not observed at significant frequency in large population cohorts (gnomAD); In silico analysis supports that this missense variant has a deleterious effect on protein structure/function; Has not been previously published as pathogenic or benign to our knowledge

NM_001330288.2(SMARCC2):c.986G>A (p.Arg329His)

Gene: SMARCC2 (SWI/SNF related BAF chromatin remodeling complex subunit C2; minus strand). Cytogenetic location: 12q13.2.
Variant type: single nucleotide variant.
Coding change: c.986G>A on transcript NM_001330288.2 (MANE Select); coding-DNA position 986, G replaced by A.
Protein change: p.Arg329His; replaces arginine 329 with histidine.
Molecular consequence: missense variant.
Genome position (GRCh38, 1-based): chr12:56,181,072, C>T on the plus strand (G>A on the coding strand, the complement: SMARCC2 is on the minus strand). VCF-style: chr12-56181072-C-T. GRCh37 (hg19) VCF-style: chr12-56574856-C-T.
Other names: c.986G>A, p.Arg329His (NM_001130420.3, NM_003075.5, NM_139067.4); short protein forms R329H.
Identifiers: ClinVar variation 3767698 (VCV003767698.1).
Genomic context (GRCh38, chr12:56,181,072, plus strand): 5'-ACTGGTGAGGGCTCGTCCATGTCCTTTGTCAGGTCTTCTTGCTCCTCTTCTCTGTGGCCA[C>T]GCTTTGACTTAGTGTAAGGTGTTGAGGGACTGGGAAGGAAAGAGAGTGAAAGAGAACCCA-3'
Protein context (NP_001317217.1, residues 319-339): GPSTPYTKSK[Arg329His]GHREEEQEDL